The following is an entry in ClinVar:

ClinVar aggregate classification (germline): Conflicting classifications of pathogenicity. Review status: criteria provided, conflicting classifications (1 of 4 stars). 6 submissions from 3 submitters: Uncertain significance (3); Likely benign (3). Last evaluated 2025-03-07.

Conditions:
Hereditary cancer-predisposing syndrome. Also called: Tumor predisposition; Neoplastic Syndromes, Hereditary; Hereditary Cancer Syndrome; Hereditary neoplastic syndrome. Identifiers: Orphanet 140162, MedGen C0027672, MeSH D009386, MONDO:0015356.
Cardiovascular phenotype. Identifiers: MedGen CN230736.
Neurofibromatosis, familial spinal (FSNF). Identifiers: Orphanet 636, MedGen C1834235, MONDO:0008078, OMIM 162210. Disease mechanism: loss of function.
Neurofibromatosis-Noonan syndrome (NFNS). Also called: NEUROFIBROMATOSIS WITH NOONAN PHENOTYPE. Identifiers: Orphanet 638, MedGen C2931482, MONDO:0011035, OMIM 601321. Disease mechanism: loss of function.
Café-au-lait macules with pulmonary stenosis (WTSN). Also called: PULMONIC STENOSIS WITH CAFE-AU-LAIT SPOTS. Identifiers: MedGen C0553586, MONDO:0008672, OMIM 193520.
Neurofibromatosis, type 1 (NF1). Also called: Neurofibromatosis, type I; NEUROFIBROMATOSIS, TYPE I, SOMATIC; Peripheral type neurofibromatosis; VON RECKLINGHAUSEN DISEASE. Identifiers: Orphanet 636, MedGen C0027831, MONDO:0018975, OMIM 162200. Disease mechanism: loss of function.

Allele frequency attached by ClinVar (database versions not stated): gnomAD exomes below 0.00001 and 0.00001; ExAC 0.00002.
gnomAD v4.1: 6 of 1,610,778 alleles (0.00037%); highest among the groups gnomAD compares: Middle Eastern, 0.016%; no homozygotes.

Submissions (6):

Labcorp Genetics (formerly Invitae), Labcorp
Classification: Likely benign for Neurofibromatosis, type 1. Last evaluated: 2025-03-07. Review status: criteria provided, single submitter. Criteria: Invitae Variant Classification Sherloc (09022015). Collection method: clinical testing. Allele origin: germline.

Ambry Genetics
Classification: Likely benign for Cardiovascular phenotype; Hereditary cancer-predisposing syndrome. Last evaluated: 2019-04-25. Review status: criteria provided, single submitter. Criteria: Ambry Variant Classification Scheme 2023. Collection method: clinical testing. Allele origin: germline.

Illumina Laboratory Services, Illumina
Classification: Uncertain significance for Café-au-lait macules with pulmonary stenosis. Last evaluated: 2018-01-12. Review status: criteria provided, single submitter. Criteria: ICSL Variant Classification Criteria 13 December 2019. Collection method: clinical testing. Allele origin: germline.

Illumina Laboratory Services, Illumina
Classification: Uncertain significance for Neurofibromatosis, type 1. Last evaluated: 2018-01-12. Review status: criteria provided, single submitter. Criteria: ICSL Variant Classification Criteria 13 December 2019. Collection method: clinical testing. Allele origin: germline.

Illumina Laboratory Services, Illumina
Classification: Uncertain significance for Neurofibromatosis, familial spinal. Last evaluated: 2018-01-12. Review status: criteria provided, single submitter. Criteria: ICSL Variant Classification Criteria 13 December 2019. Collection method: clinical testing. Allele origin: germline.

Illumina Laboratory Services, Illumina
Classification: Likely benign for Neurofibromatosis-Noonan syndrome. Last evaluated: 2018-01-12. Review status: criteria provided, single submitter. Criteria: ICSL Variant Classification Criteria 13 December 2019. Collection method: clinical testing. Allele origin: germline.
Comment: This variant was observed in the ICSL laboratory as part of a predisposition screen in an ostensibly healthy population. It had not been previously curated by ICSL or reported in the Human Gene Mutation Database (HGMD: prior to June 1st, 2018), and was therefore a candidate for classification through an automated scoring system. Utilizing variant allele frequency, disease prevalence and penetrance estimates, and inheritance mode, an automated score was calculated to assess if this variant is too frequent to cause the disease. Based on the score and internal cut-off values, a variant classified as likely benign is not then subjected to further curation. The score for this variant resulted in a classification of likely benign for this disease.

NM_001042492.3(NF1):c.6006+4T>C

Gene: NF1 (neurofibromin 1; plus strand). Cytogenetic location: 17q11.2.
Variant type: single nucleotide variant.
Coding change: c.6006+4T>C on transcript NM_001042492.3 (MANE Select); 4 bases into the intron after coding-DNA position 6006, T replaced by C.
Molecular consequence: intron variant.
Genome position (GRCh38, 1-based): chr17:31,335,035, T>C. VCF-style: chr17-31335035-T-C. GRCh37 (hg19) VCF-style: chr17-29662053-T-C.
Other names: c.5943+4T>C (NM_000267.4).
Identifiers: ClinVar variation 404586 (VCV000404586.16), dbSNP rs754909198, ClinGen allele CA8487280.